The following is an entry in ClinVar:

ClinVar aggregate classification (germline): Uncertain significance. Review status: criteria provided, multiple submitters, no conflicts (2 of 4 stars). 2 submissions from 2 submitters: Uncertain significance (2). Last evaluated 2025-12-04.

Conditions:
Inborn genetic diseases. Identifiers: MedGen C0950123, MeSH D030342.

gnomAD v4.1: 40 of 1,613,612 alleles (0.0025%); highest among the groups gnomAD compares: Non-Finnish European, 0.0033%; no homozygotes.

Submissions (2):

Ambry Genetics
Classification: Uncertain significance for Inborn genetic diseases. Last evaluated: 2025-12-04. Review status: criteria provided, single submitter. Criteria: Ambry Variant Classification Scheme 2023. Collection method: clinical testing. Allele origin: germline.

Labcorp Genetics (formerly Invitae), Labcorp
Classification: Uncertain significance. Last evaluated: 2025-03-30. Review status: criteria provided, single submitter. Criteria: Invitae Variant Classification Sherloc (09022015). Collection method: clinical testing. Allele origin: germline.
Comment: This sequence change replaces arginine, which is basic and polar, with tryptophan, which is neutral and slightly polar, at codon 351 of the GDF5 protein (p.Arg351Trp). This variant is present in population databases (rs146814179, gnomAD 0.007%). This variant has not been reported in the literature in individuals affected with GDF5-related conditions. Invitae Evidence Modeling of protein sequence and biophysical properties (such as structural, functional, and spatial information, amino acid conservation, physicochemical variation, residue mobility, and thermodynamic stability) indicates that this missense variant is expected to disrupt GDF5 protein function with a positive predictive value of 80%. In summary, the available evidence is currently insufficient to determine the role of this variant in disease. Therefore, it has been classified as a Variant of Uncertain Significance.

NM_000557.5(GDF5):c.1051C>T (p.Arg351Trp)

Genes: GDF5-AS1 (GDF5 antisense RNA 1; plus strand), GDF5 (growth differentiation factor 5; minus strand). Cytogenetic location: 20q11.22.
Variant type: single nucleotide variant.
Coding change: c.1051C>T on transcript NM_000557.5 (MANE Select); coding-DNA position 1051, C replaced by T.
Protein change: p.Arg351Trp; replaces arginine 351 with tryptophan.
Molecular consequence: missense variant. On other transcripts: non-coding transcript variant (1).
Genome position (GRCh38, 1-based): chr20:35,434,364, G>A on the plus strand (C>T on the coding strand, the complement: GDF5 is on the minus strand). VCF-style: chr20-35434364-G-A. GRCh37 (hg19) VCF-style: chr20-34022162-G-A.
Other names: c.1051C>T, p.Arg351Trp (NM_001319138.2); short protein forms R351W.
Identifiers: ClinVar variation 4620697 (VCV004620697.2).